The following is an entry in ClinVar:

NM_007035.4(KERA):c.209C>T (p.Pro70Leu)

Gene: KERA (keratocan; minus strand). Cytogenetic location: 12q21.33.
Variant type: single nucleotide variant.
Coding change: c.209C>T on transcript NM_007035.4 (MANE Select); coding-DNA position 209, C replaced by T.
Protein change: p.Pro70Leu; replaces proline 70 with leucine.
Molecular consequence: missense variant.
Genome position (GRCh38, 1-based): chr12:91,056,073, G>A on the plus strand (C>T on the coding strand, the complement: KERA is on the minus strand). VCF-style: chr12-91056073-G-A. GRCh37 (hg19) VCF-style: chr12-91449850-G-A.
Other names: short protein forms P70L.
Identifiers: ClinVar variation 2735921 (VCV002735921.4), dbSNP rs758552587, ClinGen allele CA6716616.

ClinVar aggregate classification (germline): Pathogenic. Review status: criteria provided, single submitter (1 of 4 stars). 2 submissions from 2 submitters: Pathogenic (1). 1 of the submissions does not count toward it. Last evaluated 2025-09-27.

Conditions:
KERA-related disorder. Also called: KERA-related condition.

Allele frequency attached by ClinVar (database versions not stated): gnomAD 0.00002; gnomAD exomes 0.00002; TOPMed 0.00003; ExAC 0.00004.
gnomAD v4.1: 35 of 1,607,546 alleles (0.0022%); highest among the groups gnomAD compares: Admixed American, 0.0085%; no homozygotes.

Submissions (2):

Labcorp Genetics (formerly Invitae), Labcorp
Classification: Pathogenic. Last evaluated: 2025-09-27. Review status: criteria provided, single submitter. Criteria: Invitae Variant Classification Sherloc (09022015). Collection method: clinical testing. Allele origin: germline.
Comment: This sequence change replaces proline, which is neutral and non-polar, with leucine, which is neutral and non-polar, at codon 70 of the KERA protein (p.Pro70Leu). This variant is present in population databases (rs758552587, gnomAD 0.009%). This missense change has been observed in individual(s) with cornea plana (PMID: 28677912; internal data). In at least one individual the data is consistent with being in trans (on the opposite chromosome) from a pathogenic variant. It has also been observed to segregate with disease in related individuals. ClinVar contains an entry for this variant (Variation ID: 2735921). An algorithm developed to predict the effect of missense changes on protein structure and function (PolyPhen-2) suggests that this variant is likely to be disruptive. For these reasons, this variant has been classified as Pathogenic.

PreventionGenetics, part of Exact Sciences
Classification: Uncertain significance for KERA-related condition. Last evaluated: 2024-04-03. Review status: no assertion criteria provided. Collection method: clinical testing. Allele origin: germline. Not counted in ClinVar's aggregate classification.
Comment: The KERA c.209C>T variant is predicted to result in the amino acid substitution p.Pro70Leu. This variant was reported in a compound heterozygous state in an individual with Cornea plana (Dudakova et al 2018. PubMed ID: 28677912). This variant is reported in 0.0087% of alleles in individuals of Latino descent in gnomAD.. Although we suspect that this variant may be pathogenic, at this time, the clinical significance of this variant is uncertain due to the absence of conclusive functional and genetic evidence.

Literature cited by the submitters: PubMed 28677912 (cited by Labcorp Genetics (formerly Invitae), Labcorp).